The following is an entry in ClinVar:

ClinVar aggregate classification (germline): Uncertain significance (1 of 4 stars; one submission).

Conditions:
Mosaic variegated aneuploidy syndrome 1 (MVA1). Also called: Warburton-Anyane-Yeboa syndrome. Identifiers: Orphanet 1052, MedGen C1850343, MONDO:0009759, OMIM 257300.

Submission:

Labcorp Genetics (formerly Invitae), Labcorp
Classification: Uncertain significance for Mosaic variegated aneuploidy syndrome 1. Last evaluated: 2020-10-06. Review status: criteria provided, single submitter. Criteria: Invitae Variant Classification Sherloc (09022015). Collection method: clinical testing. Allele origin: germline.
Comment: This sequence change replaces phenylalanine with leucine at codon 410 of the BUB1B protein (p.Phe410Leu). The phenylalanine residue is moderately conserved and there is a small physicochemical difference between phenylalanine and leucine. This variant is not present in population databases (ExAC no frequency). This variant has not been reported in the literature in individuals with BUB1B-related conditions. Algorithms developed to predict the effect of missense changes on protein structure and function are either unavailable or do not agree on the potential impact of this missense change (SIFT: "Tolerated"; PolyPhen-2: "Probably Damaging"; Align-GVGD: "Class C0"). In summary, the available evidence is currently insufficient to determine the role of this variant in disease. Therefore, it has been classified as a Variant of Uncertain Significance.

NM_001211.6(BUB1B):c.1228T>C (p.Phe410Leu)

Gene: BUB1B (BUB1 mitotic checkpoint serine/threonine kinase B; plus strand). Cytogenetic location: 15q15.1.
Variant type: single nucleotide variant.
Coding change: c.1228T>C on transcript NM_001211.6 (MANE Select); coding-DNA position 1228, T replaced by C.
Protein change: p.Phe410Leu; replaces phenylalanine 410 with leucine.
Molecular consequence: missense variant.
Genome position (GRCh38, 1-based): chr15:40,196,714, T>C. VCF-style: chr15-40196714-T-C. GRCh37 (hg19) VCF-style: chr15-40488915-T-C.
Other names: short protein forms F410L.
Identifiers: ClinVar variation 1057526 (VCV001057526.9), dbSNP rs2140898509, ClinGen allele CA391687511.